The following is an entry in ClinVar:

ClinVar aggregate classification (germline): Uncertain significance (1 of 4 stars; one submission).

Conditions:
Renal dysplasia, cystic, susceptibility to. Identifiers: MedGen C3275898, MONDO:0011037, OMIM 601331.

Allele frequency attached by ClinVar (database versions not stated): TOPMed 0.00001; gnomAD 0.00002.

Submission:

Johns Hopkins Genomics, Johns Hopkins University
Classification: Uncertain significance for Renal dysplasia, cystic, susceptibility to. Last evaluated: 2022-12-27. Review status: criteria provided, single submitter. Criteria: ACMG Guidelines, 2015. Collection method: clinical testing. Allele origin: germline.
Comment: This BICC1 variant (rs1249990976) is rare (<0.1%) in a large population dataset (gnomAD: 3/152148 total alleles; 0.001972%; no homozygotes) and has not been reported in ClinVar nor the literature, to our knowledge. Bioinformatic analysis predicts that this variant would not impact normal exon 12 splicing, although this has not been confirmed experimentally to our knowledge. We consider the clinical significance of BICC1 c.1725+3_1725+6dup to be uncertain at this time.

NM_001080512.3(BICC1):c.1725+3_1725+6dup

Gene: BICC1 (BicC family RNA binding protein 1; plus strand). Cytogenetic location: 10q21.1.
Variant type: Duplication.
Coding change: c.1725+3_1725+6dup on transcript NM_001080512.3 (MANE Select); bases 3 to 6 of the intron after coding-DNA position 1725, 4 bases duplicated (AATG; older notation c.1725+3_1725+6dupAATG).
Molecular consequence: intron variant.
Genome position (GRCh38, 1-based): chr10:58,799,255-58,799,258, AATG duplicated. VCF-style (leftmost placement, unchanged base first): chr10-58799254-T-TAATG. GRCh37 (hg19) VCF-style: chr10-60559014-T-TAATG.
Identifiers: ClinVar variation 2443049 (VCV002443049.1), dbSNP rs1249990976, ClinGen allele CA594254525.
Genomic context (GRCh38, chr10:58,799,254, plus strand): 5'-TCAACAGTATGCAGACCGAAGGCAAAAAAATCTCTGCTGCTTTAAATGGACATGCACAGG[T>TAATG]AATGGCCTTCTGCCAGAATGTGTGTGTGATCTGTACTGTTTGTAAGAGACAAACCCCTGG-3'